The following is an entry in ClinVar:

ClinVar aggregate classification (germline): Uncertain significance (1 of 4 stars; one submission).

Submission:

Labcorp Genetics (formerly Invitae), Labcorp
Classification: Uncertain significance. Last evaluated: 2024-11-04. Review status: criteria provided, single submitter. Criteria: Invitae Variant Classification Sherloc (09022015). Collection method: clinical testing. Allele origin: germline.
Comment: This sequence change replaces asparagine, which is neutral and polar, with histidine, which is basic and polar, at codon 160 of the NFE2L2 protein (p.Asn160His). This variant is not present in population databases (gnomAD no frequency). This variant has not been reported in the literature in individuals affected with NFE2L2-related conditions. ClinVar contains an entry for this variant (Variation ID: 1996308). Invitae Evidence Modeling of protein sequence and biophysical properties (such as structural, functional, and spatial information, amino acid conservation, physicochemical variation, residue mobility, and thermodynamic stability) indicates that this missense variant is not expected to disrupt NFE2L2 protein function with a negative predictive value of 80%. In summary, the available evidence is currently insufficient to determine the role of this variant in disease. Therefore, it has been classified as a Variant of Uncertain Significance.

NM_006164.5(NFE2L2):c.478A>C (p.Asn160His)

Gene: NFE2L2 (NFE2 like bZIP transcription factor 2; minus strand). Cytogenetic location: 2q31.2.
Variant type: single nucleotide variant.
Coding change: c.478A>C on transcript NM_006164.5 (MANE Select); coding-DNA position 478, A replaced by C.
Protein change: p.Asn160His; replaces asparagine 160 with histidine.
Molecular consequence: missense variant.
Genome position (GRCh38, 1-based): chr2:177,232,508, T>G on the plus strand (A>C on the coding strand, the complement: NFE2L2 is on the minus strand). VCF-style: chr2-177232508-T-G. GRCh37 (hg19) VCF-style: chr2-178097236-T-G.
Other names: c.430A>C, p.Asn144His (NM_001145412.3, NM_001313900.1, NM_001313901.1); c.409A>C, p.Asn137His (NM_001145413.3); c.388A>C, p.Asn130His (NM_001313902.2); c.259A>C, p.Asn87His (NM_001313903.2); c.178A>C, p.Asn60His (NM_001313904.1); short protein forms N130H, N60H, N160H, N87H, N137H, N144H.
Identifiers: ClinVar variation 1996308 (VCV001996308.4), dbSNP rs2468289321, ClinGen allele CA349376458.